The following is an entry in ClinVar:

ClinVar aggregate classification (germline): Uncertain significance. Review status: criteria provided, multiple submitters, no conflicts (2 of 4 stars). 2 submissions from 2 submitters: Uncertain significance (2). Last evaluated 2025-03-05.

Conditions:
RASopathy. Also called: rasopathies; Noonan spectrum disorder. Identifiers: Orphanet 536391, MedGen C5555857, MONDO:0021060.

Submissions (2):

Labcorp Genetics (formerly Invitae), Labcorp
Classification: Uncertain significance for RASopathy. Last evaluated: 2025-03-05. Review status: criteria provided, single submitter. Criteria: Invitae Variant Classification Sherloc (09022015). Collection method: clinical testing. Allele origin: germline.
Comment: This sequence change replaces threonine, which is neutral and polar, with proline, which is neutral and non-polar, at codon 398 of the MAP2K2 protein (p.Thr398Pro). This variant is not present in population databases (gnomAD no frequency). This variant has not been reported in the literature in individuals affected with MAP2K2-related conditions. ClinVar contains an entry for this variant (Variation ID: 1710619). Invitae Evidence Modeling of protein sequence and biophysical properties (such as structural, functional, and spatial information, amino acid conservation, physicochemical variation, residue mobility, and thermodynamic stability) indicates that this missense variant is not expected to disrupt MAP2K2 protein function with a negative predictive value of 95%. In summary, the available evidence is currently insufficient to determine the role of this variant in disease. Therefore, it has been classified as a Variant of Uncertain Significance.

GeneDx
Classification: Uncertain significance. Last evaluated: 2022-04-16. Review status: criteria provided, single submitter. Criteria: GeneDx Variant Classification Process June 2021. Collection method: clinical testing. Allele origin: germline. Affected: yes.
Comment: Not observed at significant frequency in large population cohorts (gnomAD); Missense variants in this gene are often considered pathogenic (HGMD); In silico analysis supports that this missense variant does not alter protein structure/function; Has not been previously published as pathogenic or benign to our knowledge; This variant is associated with the following publications: (PMID: 29493581)

NM_030662.4(MAP2K2):c.1192A>C (p.Thr398Pro)

Gene: MAP2K2 (mitogen-activated protein kinase kinase 2; minus strand). Cytogenetic location: 19p13.3.
Variant type: single nucleotide variant.
Coding change: c.1192A>C on transcript NM_030662.4 (MANE Select); coding-DNA position 1192, A replaced by C.
Protein change: p.Thr398Pro; replaces threonine 398 with proline.
Molecular consequence: missense variant.
Genome position (GRCh38, 1-based): chr19:4,090,609, T>G on the plus strand (A>C on the coding strand, the complement: MAP2K2 is on the minus strand). VCF-style: chr19-4090609-T-G. GRCh37 (hg19) VCF-style: chr19-4090607-T-G.
Other names: short protein forms T398P.
Identifiers: ClinVar variation 1710619 (VCV001710619.3), dbSNP rs2512299479, ClinGen allele CA403380651.